The following is an entry in ClinVar:

ClinVar aggregate classification (germline): Uncertain significance. Review status: criteria provided, multiple submitters, no conflicts (2 of 4 stars). 3 submissions from 3 submitters: Uncertain significance (3). Last evaluated 2025-03-19.

Conditions:
Hypertrophic cardiomyopathy. Also called: HYPERTROPHIC MYOCARDIOPATHY. Identifiers: Orphanet 217569, MedGen C0007194, MeSH D002312, MONDO:0005045, HP:0001639.
Cardiomyopathy (CMYO). Also called: Cardiomyopathies. Identifiers: Orphanet 167848, MedGen C0878544, MONDO:0004994, HP:0001638. Inheritance: Various modes of inheritance.

Allele frequency attached by ClinVar (database versions not stated): gnomAD exomes below 0.00001; gnomAD 0.00001; ExAC 0.00002.

Submissions (3):

Labcorp Genetics (formerly Invitae), Labcorp
Classification: Uncertain significance for Hypertrophic cardiomyopathy. Last evaluated: 2025-03-19. Review status: criteria provided, single submitter. Criteria: Invitae Variant Classification Sherloc (09022015). Collection method: clinical testing. Allele origin: germline.
Comment: This sequence change replaces valine, which is neutral and non-polar, with leucine, which is neutral and non-polar, at codon 712 of the MYBPC3 protein (p.Val712Leu). This variant is present in population databases (rs749740197, gnomAD 0.002%). This variant has not been reported in the literature in individuals affected with MYBPC3-related conditions. ClinVar contains an entry for this variant (Variation ID: 2773723). An algorithm developed to predict the effect of missense changes on protein structure and function (PolyPhen-2) suggests that this variant is likely to be tolerated. In summary, the available evidence is currently insufficient to determine the role of this variant in disease. Therefore, it has been classified as a Variant of Uncertain Significance.

All of Us Research Program, National Institutes of Health
Classification: Uncertain significance for Hypertrophic cardiomyopathy. Last evaluated: 2024-02-22. Review status: criteria provided, single submitter. Criteria: ACMG Guidelines, 2015. Collection method: clinical testing. Allele origin: germline. Inheritance: Autosomal dominant inheritance. Observed: 2 variant alleles, 2 heterozygotes.
Comment: This missense variant replaces valine with leucine at codon 712 of the MYBPC3 protein. Computational prediction suggests that this variant may not impact protein structure and function (internally defined REVEL score threshold <= 0.5, PMID: 27666373). To our knowledge, functional studies have not been reported for this variant. This variant has not been reported in individuals affected with MYBPC3-related disorders in the literature. This variant has been identified in 2/249284 chromosomes in the general population by the Genome Aggregation Database (gnomAD). The available evidence is insufficient to determine the role of this variant in disease conclusively. Therefore, this variant is classified as a Variant of Uncertain Significance.

This study involves interpretation of variants in research participants for the purpose of population health screening. Participant phenotype was not available at the time of variant classification. Additional details can be found in publication PMID: 35346344, PMCID: PMC8962531

Color Diagnostics, LLC DBA Color Health
Classification: Uncertain significance for Cardiomyopathy. Last evaluated: 2024-02-13. Review status: criteria provided, single submitter. Criteria: ACMG Guidelines, 2015. Collection method: clinical testing. Allele origin: germline.
Comment: This missense variant replaces valine with leucine at codon 712 of the MYBPC3 protein. Computational prediction tools indicate that this variant has a neutral impact on protein structure and function. To our knowledge, functional studies have not been reported for this variant. This variant has not been reported in individuals affected with MYBPC3-related disorders in the literature. This variant has been identified in 2/249284 chromosomes in the general population by the Genome Aggregation Database (gnomAD). The available evidence is insufficient to determine the role of this variant in disease conclusively. Therefore, this variant is classified as a Variant of Uncertain Significance.

NM_000256.3(MYBPC3):c.2134G>T (p.Val712Leu)

Gene: MYBPC3 (myosin binding protein C3; minus strand). Cytogenetic location: 11p11.2.
Variant type: single nucleotide variant.
Coding change: c.2134G>T on transcript NM_000256.3 (MANE Select); coding-DNA position 2134, G replaced by T.
Protein change: p.Val712Leu; replaces valine 712 with leucine.
Molecular consequence: missense variant.
Genome position (GRCh38, 1-based): chr11:47,339,338, C>A on the plus strand (G>T on the coding strand, the complement: MYBPC3 is on the minus strand). VCF-style: chr11-47339338-C-A. GRCh37 (hg19) VCF-style: chr11-47360889-C-A.
Other names: short protein forms V712L.
Identifiers: ClinVar variation 2773723 (VCV002773723.5), dbSNP rs749740197, ClinGen allele CA078519.